The following is an entry in ClinVar:

NM_000218.3(KCNQ1):c.1514+23043T>C

Genes: KCNQ1 (potassium voltage-gated channel subfamily Q member 1; plus strand), KCNQ1OT1 (KCNQ1 opposite strand/antisense transcript 1; minus strand). Cytogenetic location: 11p15.5.
Variant type: single nucleotide variant.
Coding change: c.1514+23043T>C on transcript NM_000218.3 (MANE Select); 23043 bases into the intron after coding-DNA position 1514, T replaced by C.
Molecular consequence: intron variant. On other transcripts: non-coding transcript variant (1).
Genome position (GRCh38, 1-based): chr11:2,685,124, T>C. VCF-style: chr11-2685124-T-C. GRCh37 (hg19) VCF-style: chr11-2706354-T-C.
Other names: c.1244+23043T>C (NM_001406837.1); c.1418+23043T>C (NM_001406836.1); c.974+23043T>C (NM_001406838.1); c.1133+23043T>C (NM_181798.2).
Identifiers: ClinVar variation 3046515 (VCV003046515.2), dbSNP rs1021896003, ClinGen allele CA216187828.

ClinVar aggregate classification (germline): Likely benign (0 of 4 stars; one submission).

Conditions:
KCNQ1-related disorder. Also called: KCNQ1-related disorders; KCNQ1-related condition. Identifiers: MedGen CN239322.

Allele frequency attached by ClinVar (database versions not stated): gnomAD exomes 0.00001; gnomAD 0.00003; TOPMed 0.00005.
gnomAD v4.1: 12 of 398,522 alleles (0.003%); highest among the groups gnomAD compares: African/African-American, 0.014%; no homozygotes.

Submission:

PreventionGenetics, part of Exact Sciences
Classification: Likely benign for KCNQ1-related condition. Last evaluated: 2023-06-26. Review status: no assertion criteria provided. Collection method: clinical testing. Allele origin: germline.
Comment: This variant is classified as likely benign based on ACMG/AMP sequence variant interpretation guidelines (Richards et al. 2015 PMID: 25741868, with internal and published modifications).